The following is an entry in ClinVar:

NM_001385012.1(NBEA):c.6806_6806+46dup

Gene: NBEA (neurobeachin; plus strand). Cytogenetic location: 13q13.3.
Variant type: Duplication.
Coding change: c.6806_6806+46dup on transcript NM_001385012.1 (MANE Select); coding-DNA position 6806 through 46 bases into the intron after coding-DNA position 6806, 47 bases duplicated.
Molecular consequence: splice donor variant.
Genome position (GRCh38, 1-based): chr13:35,551,032-35,551,078, 47 bases duplicated. GRCh37 (hg19): chr13:36,125,169-36,125,215.
Other names: c.6806_6806+46dup (NM_015678.5); c.6797_6797+46dup (NM_001379245.1); c.185_185+46dup (NM_001204197.3).
Identifiers: ClinVar variation 5040548 (VCV005040548.1).

ClinVar aggregate classification (germline): Likely benign (1 of 4 stars; one submission).

Submission:

CeGaT Center for Human Genetics Tuebingen
Classification: Likely benign. Last evaluated: 2026-08-01. Review status: criteria provided, single submitter. Criteria: CeGaT Center For Human Genetics Tuebingen Variant Classification Criteria Version 2. Collection method: clinical testing. Allele origin: germline. Affected: yes. Observed: 1 variant allele.
Comment: NBEA: BS2